The following is an entry in ClinVar:

NM_001370658.1(BTD):c.1145A>G (p.Asn382Ser)

Gene: BTD (biotinidase; plus strand). Cytogenetic location: 3p25.1.
Variant type: single nucleotide variant.
Coding change: c.1145A>G on transcript NM_001370658.1 (MANE Select); coding-DNA position 1145, A replaced by G.
Protein change: p.Asn382Ser; replaces asparagine 382 with serine.
Molecular consequence: missense variant. On other transcripts: intron variant (2).
Genome position (GRCh38, 1-based): chr3:15,645,061, A>G. VCF-style: chr3-15645061-A-G. GRCh37 (hg19) VCF-style: chr3-15686568-A-G.
Other names: c.1205A>G, p.Asn402Ser (NM_000060.4); c.1145A>G, p.Asn382Ser (NM_001281723.4, NM_001281724.3, NM_001281725.3 and 16 more transcripts); c.1015+130A>G (NM_001370752.1); c.399+3004A>G (NM_001370753.1); short protein forms N382S.
Identifiers: ClinVar variation 25062 (VCV000025062.19), dbSNP rs201023772, ClinGen allele CA278298.

ClinVar aggregate classification (germline): Uncertain significance. Review status: criteria provided, multiple submitters, no conflicts (2 of 4 stars). 7 submissions from 7 submitters: Uncertain significance (5). 2 of the submissions do not count toward it. Last evaluated 2026-02-11.

Conditions:
BTD-related disorder. Also called: BTD-related condition.
Biotinidase deficiency. Also called: BTD deficiency; Late-onset biotin-responsive multiple carboxylase deficiency; Biotin deficiency. Identifiers: Orphanet 79241, MedGen C0220754, MONDO:0009665, OMIM 253260.

Allele frequency attached by ClinVar (database versions not stated): gnomAD exomes 0.00017 and 0.00036; gnomAD 0.00019 and 0.00020; TOPMed 0.00014; ESP Exome Variant Server 0.00015; ExAC 0.00017.
gnomAD v4.1: 547 of 1,614,006 alleles (0.034%); highest among the groups gnomAD compares: Non-Finnish European, 0.043%; no homozygotes.

Submissions (7):

Women's Health and Genetics/Laboratory Corporation of America, LabCorp
Classification: Uncertain significance. Last evaluated: 2026-02-11. Review status: criteria provided, single submitter. Criteria: LabCorp Variant Classification Summary - May 2015. Collection method: clinical testing. Allele origin: germline.
Comment: Variant summary: BTD c.1145A>G (p.Asn382Ser) results in a conservative amino acid change in the encoded protein sequence. Algorithms developed to predict the effect of missense changes on protein structure and function are either unavailable or do not agree on the potential impact of this missense change. The variant allele was found at a frequency of 0.00017 in 251392 control chromosomes. This frequency is not significantly higher than estimated for disease-causing variants in BTD, allowing no conclusion about variant significance. c.1145A>G has been observed in individuals affected with Partial Biotinidase Deficiency (Ohlsson_2010, Jay_2015, Sharma_2024). These reports do not provide unequivocal conclusions about association of the variant with Biotinidase Deficiency. To our knowledge, no experimental evidence demonstrating an impact on protein function has been reported. The following publications have been ascertained in the context of this evaluation (PMID: 25144890, 20224900, 38299772). ClinVar contains an entry for this variant (Variation ID: 25062). Based on the evidence outlined above, the variant was classified as uncertain significance.

Labcorp Genetics (formerly Invitae), Labcorp
Classification: Uncertain significance for Biotinidase deficiency. Last evaluated: 2026-01-26. Review status: criteria provided, single submitter. Criteria: Invitae Variant Classification Sherloc (09022015). Collection method: clinical testing. Allele origin: germline.
Comment: This sequence change replaces asparagine, which is neutral and polar, with serine, which is neutral and polar, at codon 402 of the BTD protein (p.Asn402Ser). This variant is present in population databases (rs201023772, gnomAD 0.03%). This missense change has been observed in individual(s) with partial biotinidase deficiency (PMID: 20224900, 25144890, 38299772). ClinVar contains an entry for this variant (Variation ID: 25062). Invitae Evidence Modeling of protein sequence and biophysical properties (such as structural, functional, and spatial information, amino acid conservation, physicochemical variation, residue mobility, and thermodynamic stability) indicates that this missense variant is expected to disrupt BTD protein function with a positive predictive value of 95%. In summary, the available evidence is currently insufficient to determine the role of this variant in disease. Therefore, it has been classified as a Variant of Uncertain Significance.

PreventionGenetics, part of Exact Sciences
Classification: Uncertain significance for BTD-related condition. Last evaluated: 2026-01-12. Review status: criteria provided, single submitter. Criteria: ACMG Guidelines, 2015. Collection method: clinical testing. Allele origin: germline.
Comment: The BTD c.1205A>G variant is predicted to result in the amino acid substitution p.Asn402Ser. This variant was observed in individuals with biotinidase deficiency who had either residual enzymatic activity higher then expected (Table S3, Sharma et al. 2024. PubMed ID: 38299772) or had already two other causative variants present (Table 2, Jay et al. 2014. PubMed ID: 25144890); in one case this variant was observed together with one BTD pathogenic variant in an unaffected parent, who had biotinidase levels lower than normal, suggesting the p.Asn402Ser variant may have some affect on the protein (Ohlsson et al. 2010. PubMed ID: 20224900). This variant is reported in 0.033% of alleles in individuals of European (Non-Finnish) descent in gnomAD. At this time, the clinical significance of this variant is uncertain due to the absence of conclusive functional and genetic evidence.

Fulgent Genetics
Classification: Uncertain significance for Biotinidase deficiency. Last evaluated: 2021-07-20. Review status: criteria provided, single submitter. Criteria: ACMG Guidelines, 2015. Collection method: clinical testing. Allele origin: unknown.

Eurofins Ntd Llc (ga)
Classification: Uncertain significance. Last evaluated: 2015-10-12. Review status: criteria provided, single submitter. Criteria: EGL Classification Definitions 2015. Collection method: clinical testing. Allele origin: germline. Observed: 1 variant allele, 1 heterozygote.

Natera, Inc.
Classification: Uncertain significance for Biotinidase deficiency. Last evaluated: 2020-02-11. Review status: no assertion criteria provided. Collection method: clinical testing. Allele origin: germline. Not counted in ClinVar's aggregate classification.

Counsyl
Classification: Uncertain significance for Biotinidase deficiency. Last evaluated: 2017-11-08. Review status: no assertion criteria provided. Collection method: clinical testing. Allele origin: unknown. Not counted in ClinVar's aggregate classification.

Literature cited by the submitters: PubMed 25144890 (cited by 3 submitters); PubMed 20224900 (cited by 4 submitters); PubMed 38299772 (cited by Women's Health and Genetics/Laboratory Corporation of America, LabCorp and Labcorp Genetics (formerly Invitae), Labcorp); PubMed 22863189 (cited by Counsyl).